The following is an entry in ClinVar:

NM_000041.4(APOE):c.895G>C (p.Glu299Gln)

Gene: APOE (apolipoprotein E; plus strand). Cytogenetic location: 19q13.32.
Variant type: single nucleotide variant.
Coding change: c.895G>C on transcript NM_000041.4 (MANE Select); coding-DNA position 895, G replaced by C.
Protein change: p.Glu299Gln; replaces glutamic acid 299 with glutamine.
Molecular consequence: missense variant.
Genome position (GRCh38, 1-based): chr19:44,909,191, G>C. VCF-style: chr19-44909191-G-C. GRCh37 (hg19) VCF-style: chr19-45412448-G-C.
Other names: c.973G>C, p.Glu325Gln (NM_001302688.2); c.895G>C, p.Glu299Gln (NM_001302689.2, NM_001302690.2, NM_001302691.2); short protein forms E325Q, E299Q.
Identifiers: ClinVar variation 1765256 (VCV001765256.3), dbSNP rs1367811482, ClinGen allele CA406305798.

ClinVar aggregate classification (germline): Uncertain significance (1 of 4 stars; one submission).

Conditions:
Cardiovascular phenotype. Identifiers: MedGen CN230736.

Allele frequency attached by ClinVar (database versions not stated): TOPMed 0.00001; gnomAD exomes 0.00003.
gnomAD v4.1: 46 of 1,598,976 alleles (0.0029%); highest among the groups gnomAD compares: Non-Finnish European, 0.0037%; no homozygotes.

Submission:

Ambry Genetics
Classification: Uncertain significance for Cardiovascular phenotype. Last evaluated: 2025-04-24. Review status: criteria provided, single submitter. Criteria: Ambry Variant Classification Scheme 2023. Collection method: clinical testing. Allele origin: germline.
Comment: The p.E299Q variant (also known as c.895G>C), located in coding exon 3 of the APOE gene, results from a G to C substitution at nucleotide position 895. The glutamic acid at codon 299 is replaced by glutamine, an amino acid with highly similar properties. This amino acid position is conserved. In addition, this alteration is predicted to be tolerated by in silico analysis. Since supporting evidence is limited at this time, the clinical significance of this alteration remains unclear.